The following is an entry in ClinVar:

NM_005559.4(LAMA1):c.664C>T (p.Arg222Ter)

Gene: LAMA1 (laminin subunit alpha 1; minus strand). Cytogenetic location: 18p11.31.
Variant type: single nucleotide variant.
Coding change: c.664C>T on transcript NM_005559.4 (MANE Select); coding-DNA position 664, C replaced by T.
Protein change: p.Arg222Ter; replaces arginine 222 with a stop codon.
Molecular consequence: nonsense.
Genome position (GRCh38, 1-based): chr18:7,049,182, G>A on the plus strand (C>T on the coding strand, the complement: LAMA1 is on the minus strand). VCF-style: chr18-7049182-G-A. GRCh37 (hg19) VCF-style: chr18-7049181-G-A.
Other names: short protein forms R222*.
Identifiers: ClinVar variation 372401 (VCV000372401.1), dbSNP rs1057517756, ClinGen allele CA16043071.

ClinVar aggregate classification (germline): Likely pathogenic (1 of 4 stars; one submission).

Allele frequency attached by ClinVar (database versions not stated): gnomAD 0.00001; gnomAD exomes 0.00001; TOPMed 0.00001.
gnomAD v4.1: 6 of 1,613,988 alleles (0.00037%); highest among the groups gnomAD compares: East Asian, 0.0022%; no homozygotes.

Submission:

GeneDx
Classification: Likely pathogenic. Last evaluated: 2016-03-23. Review status: criteria provided, single submitter. Criteria: GeneDx Variant Classification (06012015). Collection method: clinical testing. Allele origin: germline. Affected: yes.
Comment: The R222X variant in the LAMA1 gene has not been reported previously as a pathogenic variant nor as a benign variant, to our knowledge. This variant is predicted to cause loss of normal protein function either through protein truncation or nonsense-mediated mRNA decay. The R222X variant was not observed in approximately 6,500 individuals of European and African American ancestry in the NHLBI Exome Sequencing Project, indicating it is not a common benign variant in these populations. Based on review of the data in the context of the 2015 ACMG Standards and Guidelines for the Interpretation of Sequence Variants (Richards et al., 2015), we now interpret R222X as a strong candidate for a pathogenic variant. However, the possibility it may be a rare benign variant cannot be excluded.